The following is an entry in ClinVar:

ClinVar aggregate classification (germline): Uncertain significance. Review status: criteria provided, multiple submitters, no conflicts (2 of 4 stars). 2 submissions from 2 submitters: Uncertain significance (2). Last evaluated 2025-08-28.

Conditions:
Rienhoff syndrome. Also called: LOEYS-DIETZ SYNDROME 5. Identifiers: MedGen C3810012, MONDO:0014262, OMIM 615582.
Familial thoracic aortic aneurysm and aortic dissection (TAAD). Also called: Thoracic aortic aneurysms and dissections. Identifiers: Orphanet 91387, MedGen C4707243, MONDO:0019625.

Allele frequency attached by ClinVar (database versions not stated): gnomAD exomes 0.00001; ExAC 0.00003.

Submissions (2):

Labcorp Genetics (formerly Invitae), Labcorp
Classification: Uncertain significance for Rienhoff syndrome. Last evaluated: 2025-08-28. Review status: criteria provided, single submitter. Criteria: Invitae Variant Classification Sherloc (09022015). Collection method: clinical testing. Allele origin: germline.
Comment: This sequence change replaces glutamic acid, which is acidic and polar, with glycine, which is neutral and non-polar, at codon 94 of the TGFB3 protein (p.Glu94Gly). This variant is present in population databases (rs768011820, gnomAD 0.01%). This variant has not been reported in the literature in individuals affected with TGFB3-related conditions. ClinVar contains an entry for this variant (Variation ID: 1796416). An algorithm developed to predict the effect of missense changes on protein structure and function (PolyPhen-2) suggests that this variant is likely to be tolerated. In summary, the available evidence is currently insufficient to determine the role of this variant in disease. Therefore, it has been classified as a Variant of Uncertain Significance.

Ambry Genetics
Classification: Uncertain significance for Familial thoracic aortic aneurysm and aortic dissection. Last evaluated: 2021-07-12. Review status: criteria provided, single submitter. Criteria: Ambry Variant Classification Scheme 2023. Collection method: clinical testing. Allele origin: germline.
Comment: The p.E94G variant (also known as c.281A>G), located in coding exon 1 of the TGFB3 gene, results from an A to G substitution at nucleotide position 281. The glutamic acid at codon 94 is replaced by glycine, an amino acid with similar properties. This amino acid position is conserved. In addition, this alteration is predicted to be tolerated by in silico analysis. Since supporting evidence is limited at this time, the clinical significance of this alteration remains unclear.

NM_003239.5(TGFB3):c.281A>G (p.Glu94Gly)

Gene: TGFB3 (transforming growth factor beta 3; minus strand). Cytogenetic location: 14q24.3.
Variant type: single nucleotide variant.
Coding change: c.281A>G on transcript NM_003239.5 (MANE Select); coding-DNA position 281, A replaced by G.
Protein change: p.Glu94Gly; replaces glutamic acid 94 with glycine.
Molecular consequence: missense variant.
Genome position (GRCh38, 1-based): chr14:75,980,613, T>C on the plus strand (A>G on the coding strand, the complement: TGFB3 is on the minus strand). VCF-style: chr14-75980613-T-C. GRCh37 (hg19) VCF-style: chr14-76446956-T-C.
Other names: c.281A>G, p.Glu94Gly (NM_001329938.2, NM_001329939.2); short protein forms E94G.
Identifiers: ClinVar variation 1796416 (VCV001796416.3), dbSNP rs768011820, ClinGen allele CA7280485.